The following is an entry in ClinVar:

ClinVar aggregate classification (germline): Uncertain significance (1 of 4 stars; one submission).

Conditions:
Aicardi-Goutieres syndrome 6 (AGS6). Identifiers: Orphanet 51, MedGen C3539013, MONDO:0014007, OMIM 615010.
Symmetrical dyschromatosis of extremities (DSH). Also called: Dyschromatosis symmetrica hereditaria; DYSCHROMATOSIS SYMMETRICA HEREDITARIA 1; RETICULATE ACROPIGMENTATION OF DOHI; SYMMETRIC DYSCHROMATOSIS OF THE EXTREMITIES. Identifiers: Orphanet 41, MedGen C0406775, MONDO:0007483, OMIM 127400.

Allele frequency attached by ClinVar (database versions not stated): gnomAD 0.00001; TOPMed 0.00002.
gnomAD v4.1: 10 of 1,613,694 alleles (0.00062%); highest among the groups gnomAD compares: Non-Finnish European, 0.00085%; no homozygotes.

Submission:

Labcorp Genetics (formerly Invitae), Labcorp
Classification: Uncertain significance for Aicardi-Goutieres syndrome 6; Symmetrical dyschromatosis of extremities. Last evaluated: 2025-01-05. Review status: criteria provided, single submitter. Criteria: Invitae Variant Classification Sherloc (09022015). Collection method: clinical testing. Allele origin: germline.
Comment: This sequence change replaces aspartic acid, which is acidic and polar, with tyrosine, which is neutral and polar, at codon 336 of the ADAR protein (p.Asp336Tyr). This variant is present in population databases (rs763575197, gnomAD 0.0009%). This variant has not been reported in the literature in individuals affected with ADAR-related conditions. ClinVar contains an entry for this variant (Variation ID: 1369425). Invitae Evidence Modeling of protein sequence and biophysical properties (such as structural, functional, and spatial information, amino acid conservation, physicochemical variation, residue mobility, and thermodynamic stability) indicates that this missense variant is not expected to disrupt ADAR protein function with a negative predictive value of 80%. In summary, the available evidence is currently insufficient to determine the role of this variant in disease. Therefore, it has been classified as a Variant of Uncertain Significance.

NM_001111.5(ADAR):c.1006G>T (p.Asp336Tyr)

Gene: ADAR (adenosine deaminase RNA specific; minus strand). Cytogenetic location: 1q21.3.
Variant type: single nucleotide variant.
Coding change: c.1006G>T on transcript NM_001111.5 (MANE Select); coding-DNA position 1006, G replaced by T.
Protein change: p.Asp336Tyr; replaces aspartic acid 336 with tyrosine.
Molecular consequence: missense variant.
Genome position (GRCh38, 1-based): chr1:154,601,636, C>A on the plus strand (G>T on the coding strand, the complement: ADAR is on the minus strand). VCF-style: chr1-154601636-C-A. GRCh37 (hg19) VCF-style: chr1-154574112-C-A.
Other names: c.121G>T, p.Asp41Tyr (NM_001025107.3, NM_001193495.2, NM_001365046.1 and 3 more transcripts); c.1033G>T, p.Asp345Tyr (NM_001365045.1); c.1006G>T, p.Asp336Tyr (NM_015840.4, NM_015841.4); short protein forms D336Y, D41Y, D345Y.
Identifiers: ClinVar variation 1369425 (VCV001369425.8), dbSNP rs763575197, ClinGen allele CA30810171.